The following is an entry in ClinVar:

NM_000368.5(TSC1):c.561C>G (p.Leu187=)

Gene: TSC1 (TSC complex subunit 1; minus strand). Cytogenetic location: 9q34.13.
Variant type: single nucleotide variant.
Coding change: c.561C>G on transcript NM_000368.5 (MANE Select); coding-DNA position 561, C replaced by G.
Protein change: p.Leu187=; no amino-acid change (leucine 187 retained).
Molecular consequence: synonymous variant.
Genome position (GRCh38, 1-based): chr9:132,921,921, G>C on the plus strand (C>G on the coding strand, the complement: TSC1 is on the minus strand). VCF-style: chr9-132921921-G-C. GRCh37 (hg19) VCF-style: chr9-135797308-G-C.
Other names: c.561C>G, p.Leu187= (NM_001162426.2); c.408C>G, p.Leu136= (NM_001162427.2); c.198C>G, p.Leu66= (NM_001362177.2); c.561C>G (NM_000368.4).
Identifiers: ClinVar variation 1535204 (VCV001535204.10), dbSNP rs2132158033, ClinGen allele CA467593815.

ClinVar aggregate classification (germline): Benign/Likely benign. Review status: criteria provided, multiple submitters, no conflicts (2 of 4 stars). 4 submissions from 4 submitters: Benign (1); Likely benign (3). Last evaluated 2025-06-09.

Conditions:
Hereditary cancer-predisposing syndrome. Also called: Tumor predisposition; Hereditary Cancer Syndrome; Hereditary neoplastic syndrome; Neoplastic Syndromes, Hereditary. Identifiers: Orphanet 140162, MedGen C0027672, MeSH D009386, MONDO:0015356.
Tuberous sclerosis syndrome (TSC). Also called: Tuberous Sclerosis Complex; Tuberous sclerosis. Identifiers: Orphanet 805, MedGen C0041341, MONDO:0001734.
Tuberous sclerosis 1 (TSC1). Identifiers: Orphanet 805, MedGen C1854465, MONDO:0008612, OMIM 191100.

Submissions (4):

Color Diagnostics, LLC DBA Color Health
Classification: Likely benign for Tuberous sclerosis syndrome. Last evaluated: 2025-06-09. Review status: criteria provided, single submitter. Criteria: ACMG Guidelines, 2015. Collection method: clinical testing. Allele origin: germline.

Myriad Genetics, Inc.
Classification: Benign for Tuberous sclerosis 1. Last evaluated: 2025-04-08. Review status: criteria provided, single submitter. Criteria: Myriad Autosomal Dominant, Autosomal Recessive and X-Linked Classification Criteria (2023). Collection method: clinical testing. Allele origin: unknown.
Comment: This variant is considered benign. This variant is a silent/synonymous amino acid change and it is not expected to impact splicing.

Ambry Genetics
Classification: Likely benign for Hereditary cancer-predisposing syndrome. Last evaluated: 2023-03-23. Review status: criteria provided, single submitter. Criteria: Ambry Variant Classification Scheme 2023. Collection method: clinical testing. Allele origin: germline.

Labcorp Genetics (formerly Invitae), Labcorp
Classification: Likely benign for Tuberous sclerosis 1. Last evaluated: 2022-07-26. Review status: criteria provided, single submitter. Criteria: Invitae Variant Classification Sherloc (09022015). Collection method: clinical testing. Allele origin: germline.